The following is an entry in ClinVar:

NM_007194.4(CHEK2):c.1075G>T (p.Glu359Ter)

Gene: CHEK2 (checkpoint kinase 2; minus strand). Cytogenetic location: 22q12.1.
Variant type: single nucleotide variant.
Coding change: c.1075G>T on transcript NM_007194.4 (MANE Select); coding-DNA position 1075, G replaced by T.
Protein change: p.Glu359Ter; replaces glutamic acid 359 with a stop codon.
Molecular consequence: nonsense. On other transcripts: intron variant (3).
Genome position (GRCh38, 1-based): chr22:28,696,921, C>A on the plus strand (G>T on the coding strand, the complement: CHEK2 is on the minus strand). VCF-style: chr22-28696921-C-A. GRCh37 (hg19) VCF-style: chr22-29092909-C-A.
Other names: c.1204G>T, p.Glu402Ter (NM_001005735.3); c.412G>T, p.Glu138Ter (NM_001257387.3, NM_001437942.1); c.874G>T, p.Glu292Ter (NM_001349956.3); c.1168G>T, p.Glu390Ter (NM_001438293.1); c.1009-1048G>T (NM_145862.3); c.1102-1048G>T (NM_001438295.1); c.1138-1048G>T (NM_001438294.1); short protein forms E138*, E292*, E359*, E402*, E390*.
Identifiers: ClinVar variation 2583528 (VCV002583528.5), dbSNP rs2052607303, ClinGen allele CA411097545.

ClinVar aggregate classification (germline): Pathogenic. Review status: criteria provided, multiple submitters, no conflicts (2 of 4 stars). 2 submissions from 2 submitters: Pathogenic (2). Last evaluated 2023-12-22.

Conditions:
Familial cancer of breast. Also called: Hereditary breast cancer; BREAST CANCER, FAMILIAL; hereditary breast carcinoma. Identifiers: Orphanet 227535, MedGen C0346153, MONDO:0016419, OMIM 114480. Disease mechanism: loss of function.

Submissions (2):

Labcorp Genetics (formerly Invitae), Labcorp
Classification: Pathogenic for Familial cancer of breast. Last evaluated: 2023-12-22. Review status: criteria provided, single submitter. Criteria: Invitae Variant Classification Sherloc (09022015). Collection method: clinical testing. Allele origin: germline.
Comment: This sequence change creates a premature translational stop signal (p.Glu359*) in the CHEK2 gene. It is expected to result in an absent or disrupted protein product. Loss-of-function variants in CHEK2 are known to be pathogenic (PMID: 21876083, 24713400). This variant is not present in population databases (gnomAD no frequency). This premature translational stop signal has been observed in individual(s) with breast cancer (PMID: 30287823). ClinVar contains an entry for this variant (Variation ID: 2583528). Algorithms developed to predict the effect of sequence changes on RNA splicing suggest that this variant may disrupt the consensus splice site. For these reasons, this variant has been classified as Pathogenic.

Myriad Genetics, Inc.
Classification: Pathogenic for Familial cancer of breast. Last evaluated: 2023-06-27. Review status: criteria provided, single submitter. Criteria: Myriad Autosomal Dominant, Autosomal Recessive and X-Linked Classification Criteria (2023). Collection method: clinical testing. Allele origin: unknown.
Comment: This variant is considered pathogenic. This variant creates a termination codon and is predicted to result in premature protein truncation.

Literature cited by the submitters: PubMed 21876083 (cited by Labcorp Genetics (formerly Invitae), Labcorp); PubMed 24713400 (cited by Labcorp Genetics (formerly Invitae), Labcorp); PubMed 30287823 (cited by Labcorp Genetics (formerly Invitae), Labcorp).